The following is an entry in ClinVar:

ClinVar aggregate classification (germline): Pathogenic (0 of 4 stars; one submission).

Conditions:
Pyruvate dehydrogenase E1-alpha deficiency (PDHAD). Also called: ATAXIA, INTERMITTENT, WITH PYRUVATE DEHYDROGENASE DEFICIENCY; ATAXIA WITH LACTIC ACIDOSIS I; ATAXIA, INTERMITTENT, WITH ABNORMAL PYRUVATE METABOLISM; Ataxia, intermittent, with pyruvate dehydrogenase, or decarboxylase, deficiency. Identifiers: Orphanet 79243, MedGen C1839413, MONDO:0010717, OMIM 312170.

Submission:

PDHA1 Study Group, University Children’s Hospital, Paracelsus Medical University
Classification: Pathogenic for Pyruvate dehydrogenase E1-alpha deficiency. Last evaluated: 2024-10-15. Review status: no assertion criteria provided. Collection method: research. Allele origin: germline. Affected: yes. Observed: 1 variant allele.
Comment: The NM_000284.3:c.729C>A (p.Tyr243Ter) change is a nonsense variant in PDHA1 gene. This variant is predicted to result in nonsense-mediated decay (NMD). The variant has been reported in 1 published case (PMIDs: 18273899). Last literature search: July 12, 2024. This variant is absent or extremely rare in population-based cohorts in the Genome Aggregation Database (gnomAD). Individuals harboring this variant presented with clinical features compatible with PDHA1-related PDHc deficiency. In summary, this variant meets criteria to be classified as pathogenic (P) for PDHA1-related PDHc deficiency based on the ACMG/AMP criteria applied: PVS1, PS3, PM2, PM7 (last assessment October 15, 2024).

Literature cited by the submitters: PubMed 18273899; DOI 10.1093/brain/awaf430.

NM_000284.4(PDHA1):c.729C>A (p.Tyr243Ter)

Gene: PDHA1 (pyruvate dehydrogenase E1 subunit alpha 1; plus strand). Cytogenetic location: Xp22.12.
Variant type: single nucleotide variant.
Coding change: c.729C>A on transcript NM_000284.4 (MANE Select); coding-DNA position 729, C replaced by A.
Protein change: p.Tyr243Ter; replaces tyrosine 243 with a stop codon.
Molecular consequence: nonsense.
Genome position (GRCh38, 1-based): chrX:19,355,474, C>A. VCF-style: chrX-19355474-C-A. GRCh37 (hg19) VCF-style: chrX-19373592-C-A.
Other names: c.843C>A, p.Tyr281Ter (NM_001173454.2); c.750C>A, p.Tyr250Ter (NM_001173455.2); c.636C>A, p.Tyr212Ter (NM_001173456.2); short protein forms Y212*, Y243*, Y250*, Y281*.
Identifiers: ClinVar variation 4070364 (VCV004070364.1).